The following is an entry in ClinVar:

NM_004168.4(SDHA):c.1320G>A (p.Glu440=)

Gene: SDHA (succinate dehydrogenase complex flavoprotein subunit A; plus strand). Cytogenetic location: 5p15.33.
Variant type: single nucleotide variant.
Coding change: c.1320G>A on transcript NM_004168.4 (MANE Select); coding-DNA position 1320, G replaced by A.
Protein change: p.Glu440=; no amino-acid change (glutamic acid 440 retained).
Molecular consequence: synonymous variant.
Genome position (GRCh38, 1-based): chr5:236,487, G>A. VCF-style: chr5-236487-G-A. GRCh37 (hg19) VCF-style: chr5-236602-G-A.
Other names: c.1176G>A, p.Glu392= (NM_001294332.2); c.1320G>A, p.Glu440= (NM_001330758.2).
Identifiers: ClinVar variation 1117497 (VCV001117497.12), dbSNP rs2126589773, ClinGen allele CA442692091.

ClinVar aggregate classification (germline): Benign/Likely benign. Review status: criteria provided, multiple submitters, no conflicts (2 of 4 stars). 3 submissions from 3 submitters: Benign (1); Likely benign (2). Last evaluated 2025-03-10.

Conditions:
Pheochromocytoma/paraganglioma syndrome 5. Also called: Paragangliomas 5; SDHA-Related Hereditary Paraganglioma-Pheochromocytoma Syndrome. Identifiers: Orphanet 29072, MedGen C3279992, MONDO:0013602, OMIM 614165.
Mitochondrial complex II deficiency, nuclear type 1. Also called: SUCCINATE CoQ REDUCTASE DEFICIENCY. Identifiers: Orphanet 3208, MedGen C5700310, MONDO:0100294, OMIM 252011.
Hereditary cancer-predisposing syndrome. Also called: Tumor predisposition; Neoplastic Syndromes, Hereditary; Hereditary Cancer Syndrome; Hereditary neoplastic syndrome. Identifiers: Orphanet 140162, MedGen C0027672, MeSH D009386, MONDO:0015356.

Submissions (3):

Myriad Genetics, Inc.
Classification: Benign for Pheochromocytoma/paraganglioma syndrome 5. Last evaluated: 2025-03-10. Review status: criteria provided, single submitter. Criteria: Myriad Autosomal Dominant, Autosomal Recessive and X-Linked Classification Criteria (2023). Collection method: clinical testing. Allele origin: unknown.
Comment: This variant is considered benign. This variant is a silent/synonymous amino acid change and it is not expected to impact splicing.

Labcorp Genetics (formerly Invitae), Labcorp
Classification: Likely benign for Pheochromocytoma/paraganglioma syndrome 5; Mitochondrial complex II deficiency, nuclear type 1. Last evaluated: 2023-07-26. Review status: criteria provided, single submitter. Criteria: Invitae Variant Classification Sherloc (09022015). Collection method: clinical testing. Allele origin: germline.

Ambry Genetics
Classification: Likely benign for Hereditary cancer-predisposing syndrome. Last evaluated: 2021-06-10. Review status: criteria provided, single submitter. Criteria: Ambry Variant Classification Scheme 2023. Collection method: clinical testing. Allele origin: germline.